The following is an entry in ClinVar:

NM_001164277.2(SLC37A4):c.229C>A (p.Arg77Ser)

Gene: SLC37A4 (solute carrier family 37 member 4; minus strand). Cytogenetic location: 11q23.3.
Variant type: single nucleotide variant.
Coding change: c.229C>A on transcript NM_001164277.2 (MANE Select); coding-DNA position 229, C replaced by A.
Protein change: p.Arg77Ser; replaces arginine 77 with serine.
Molecular consequence: missense variant.
Genome position (GRCh38, 1-based): chr11:119,028,346, G>T on the plus strand (C>A on the coding strand, the complement: SLC37A4 is on the minus strand). VCF-style: chr11-119028346-G-T. GRCh37 (hg19) VCF-style: chr11-118899056-G-T.
Other names: c.229C>A, p.Arg77Ser (NM_001164278.2, NM_001164280.2, NM_001467.6); c.10C>A, p.Arg4Ser (NM_001164279.2); short protein forms R4S, R77S.
Identifiers: ClinVar variation 1364720 (VCV001364720.6), dbSNP rs1417623185, ClinGen allele CA382905872.

ClinVar aggregate classification (germline): Uncertain significance (1 of 4 stars; one submission).

Conditions:
Glucose-6-phosphate transport defect (GSD1B). Also called: Glycogen Storage Disease Type Ib; GSD Ib. Identifiers: Orphanet 364, Orphanet 79259, MedGen C0268146, MONDO:0009288, OMIM 232220.

Submission:

Labcorp Genetics (formerly Invitae), Labcorp
Classification: Uncertain significance for Glucose-6-phosphate transport defect. Last evaluated: 2021-01-14. Review status: criteria provided, single submitter. Criteria: Invitae Variant Classification Sherloc (09022015). Collection method: clinical testing. Allele origin: germline.
Comment: This sequence change replaces arginine with serine at codon 77 of the SLC37A4 protein (p.Arg77Ser). The arginine residue is highly conserved and there is a moderate physicochemical difference between arginine and serine. This variant is not present in population databases (ExAC no frequency). This variant has not been reported in the literature in individuals with SLC37A4-related conditions. Experimental studies and prediction algorithms are not available or were not evaluated, and the functional significance of this variant is currently unknown. In summary, the available evidence is currently insufficient to determine the role of this variant in disease. Therefore, it has been classified as a Variant of Uncertain Significance.